The following is an entry in ClinVar:

ClinVar aggregate classification (germline): Uncertain significance (1 of 4 stars; one submission).

Conditions:
UFSP2-related disorder. Also called: UFSP2-related condition.

Submission:

PreventionGenetics, part of Exact Sciences
Classification: Uncertain significance for UFSP2-related condition. Last evaluated: 2026-04-13. Review status: criteria provided, single submitter. Criteria: ACMG Guidelines, 2015. Collection method: clinical testing. Allele origin: germline.
Comment: The UFSP2 c.1278T>A variant is predicted to result in the amino acid substitution p.Asp426Glu. To our knowledge, this variant has not been reported in the literature or in large population databases, including gnomAD, indicating that it is rare. An alternative substitution affecting the same amino acid (p.Asp426Ala) has been reported in the heterozygous state in a three‑generation family with autosomal dominant spondyloepimetaphyseal dysplasia (Di Rocco et al. 2018. PubMed ID: 28892125). Although this variant is suspected to be pathogenic, at this time, the clinical significance of this variant is uncertain due to the absence of conclusive functional and genetic evidence.

NM_018359.5(UFSP2):c.1278T>A (p.Asp426Glu)

Gene: UFSP2 (UFM1 specific peptidase 2; minus strand). Cytogenetic location: 4q35.1.
Variant type: single nucleotide variant.
Coding change: c.1278T>A on transcript NM_018359.5 (MANE Select); coding-DNA position 1278, T replaced by A.
Protein change: p.Asp426Glu; replaces aspartic acid 426 with glutamic acid.
Molecular consequence: missense variant. On other transcripts: non-coding transcript variant (2).
Genome position (GRCh38, 1-based): chr4:185,403,539, A>T on the plus strand (T>A on the coding strand, the complement: UFSP2 is on the minus strand). VCF-style: chr4-185403539-A-T. GRCh37 (hg19) VCF-style: chr4-186324693-A-T.
Other names: short protein forms D426E.
Identifiers: ClinVar variation 4995751 (VCV004995751.1).